The following is an entry in ClinVar:

ClinVar aggregate classification (germline): Uncertain significance (1 of 4 stars; one submission).

Allele frequency attached by ClinVar (database versions not stated): TOPMed below 0.00001.

Submission:

Labcorp Genetics (formerly Invitae), Labcorp
Classification: Uncertain significance. Last evaluated: 2024-03-11. Review status: criteria provided, single submitter. Criteria: Invitae Variant Classification Sherloc (09022015). Collection method: clinical testing. Allele origin: germline.
Comment: This sequence change falls in intron 9 of the PEPD gene. It does not directly change the encoded amino acid sequence of the PEPD protein. It affects a nucleotide within the consensus splice site. This variant is not present in population databases (gnomAD no frequency). This variant has not been reported in the literature in individuals affected with PEPD-related conditions. ClinVar contains an entry for this variant (Variation ID: 2112423). Variants that disrupt the consensus splice site are a relatively common cause of aberrant splicing (PMID: 17576681, 9536098). Algorithms developed to predict the effect of sequence changes on RNA splicing suggest that this variant may disrupt the consensus splice site. In summary, the available evidence is currently insufficient to determine the role of this variant in disease. Therefore, it has been classified as a Variant of Uncertain Significance.

Literature cited by the submitters: PubMed 17576681; PubMed 9536098.

NM_000285.4(PEPD):c.671+3_671+11del

Gene: PEPD (peptidase D; minus strand). Cytogenetic location: 19q13.11.
Variant type: Deletion.
Coding change: c.671+3_671+11del on transcript NM_000285.4 (MANE Select); bases 3 to 11 of the intron after coding-DNA position 671, 9 bases deleted (AAGCCACCA; older notation c.671+3_671+11delAAGCCACCA).
Molecular consequence: intron variant.
Genome position (GRCh38, 1-based): chr19:33,462,984-33,462,992, TGGTGGCTT deleted on the plus strand (AAGCCACCA on the coding strand, the reverse complement: PEPD is on the minus strand). VCF-style (leftmost placement, unchanged base first): chr19-33462983-ATGGTGGCTT-A. GRCh37 (hg19) VCF-style: chr19-33953889-ATGGTGGCTT-A.
Other names: c.479+3_479+11del (NM_001166057.2); c.548+15054_548+15062del (NM_001166056.2).
Identifiers: ClinVar variation 2112423 (VCV002112423.4), dbSNP rs1969955982, ClinGen allele CA2332735226.
Genomic context (GRCh38, chr19:33,462,983, plus strand): 5'-GTTACTCACTCAGGGAACATAAATTACTGTTTTTTACCTTTTAATTTTACCCGGAGAAAC[ATGGTGGCTT>A]ACCTTTCCAACTCATATTCTTTCATTCCCACTTTTACAGCCTTCATTACCTGGAGGACGG-3'